The following is an entry in ClinVar:

NM_014370.4(SRPK3):c.1004C>A (p.Ser335Tyr)

Gene: SRPK3 (SRSF protein kinase 3; plus strand). Cytogenetic location: Xq28.
Variant type: single nucleotide variant.
Coding change: c.1004C>A on transcript NM_014370.4 (MANE Select); coding-DNA position 1004, C replaced by A.
Protein change: p.Ser335Tyr; replaces serine 335 with tyrosine.
Molecular consequence: missense variant. On other transcripts: intron variant (1).
Genome position (GRCh38, 1-based): chrX:153,784,070, C>A. VCF-style: chrX-153784070-C-A. GRCh37 (hg19) VCF-style: chrX-153049525-C-A.
Other names: c.1004C>A (NM_014370.3); c.1001C>A, p.Ser334Tyr (NM_001170760.2); c.952+49C>A (NM_001170761.2); short protein forms S334Y, S335Y.
Identifiers: ClinVar variation 4085159 (VCV004085159.9).
Genomic context (GRCh38, chrX:153,784,070, plus strand): 5'-CATCCTCTTCAGGCTGTCACCCCGGGGGCGCCAGAGCAGGTCCCTCCCCAGCCTCTTCCT[C>A]CCCCGCCCCAGGGGGCGGCCGTAGCCTCAGCGCGGGCTCACAGACCTCAGGCTTCTCCGG-3'
Protein context (NP_055185.2, residues 325-345): ARAGPSPASS[Ser335Tyr]PAPGGGRSLS

ClinVar aggregate classification (germline): Conflicting classifications of pathogenicity. Review status: criteria provided, conflicting classifications (1 of 4 stars). 2 submissions from 2 submitters: Uncertain significance (1); Likely benign (1). Last evaluated 2025-08-21.

gnomAD v4.1: 79 of 1,208,954 alleles (0.0065%); highest among the groups gnomAD compares: Non-Finnish European, 0.0079%; no homozygotes.

Submissions (2):

Ambry Genetics
Classification: Uncertain significance. Last evaluated: 2025-08-21. Review status: criteria provided, single submitter. Criteria: Ambry Variant Classification Scheme 2023. Collection method: clinical testing. Allele origin: germline.

CeGaT Center for Human Genetics Tuebingen
Classification: Likely benign. Last evaluated: 2025-06-01. Review status: criteria provided, single submitter. Criteria: CeGaT Center For Human Genetics Tuebingen Variant Classification Criteria Version 2. Collection method: clinical testing. Allele origin: germline. Affected: yes. Observed: 1 variant allele.
Comment: SRPK3: BS2